The following is an entry in ClinVar:

NM_001943.5(DSG2):c.1932T>C (p.Phe644=)

Gene: DSG2 (desmoglein 2; plus strand). Cytogenetic location: 18q12.1.
Variant type: single nucleotide variant.
Coding change: c.1932T>C on transcript NM_001943.5 (MANE Select); coding-DNA position 1932, T replaced by C.
Protein change: p.Phe644=; no amino-acid change (phenylalanine 644 retained).
Molecular consequence: synonymous variant.
Genome position (GRCh38, 1-based): chr18:31,541,245, T>C. VCF-style: chr18-31541245-T-C. GRCh37 (hg19) VCF-style: chr18-29121208-T-C.
Identifiers: ClinVar variation 889542 (VCV000889542.12), dbSNP rs2073265410, ClinGen allele CA503597143.

ClinVar aggregate classification (germline): Conflicting classifications of pathogenicity. Review status: criteria provided, conflicting classifications (1 of 4 stars). 4 submissions from 4 submitters: Uncertain significance (1); Likely benign (3). Last evaluated 2026-01-28.

Conditions:
Arrhythmogenic right ventricular dysplasia 10. Also called: Arrhythmogenic Right Ventricular Dysplasia/Cardiomyopathy10; Arrhythmogenic right ventricular dysplasia/cardiomyopathy, type 10; ARRHYTHMOGENIC RIGHT VENTRICULAR DYSPLASIA, FAMILIAL, 10. Identifiers: MedGen C1857777, MONDO:0012434, OMIM 610193.
Cardiomyopathy (CMYO). Also called: Cardiomyopathies. Identifiers: Orphanet 167848, MedGen C0878544, MONDO:0004994, HP:0001638. Inheritance: Various modes of inheritance.
Cardiovascular phenotype. Identifiers: MedGen CN230736.

Allele frequency attached by ClinVar (database versions not stated): gnomAD exomes below 0.00001.
gnomAD v4.1: 3 of 1,614,162 alleles (0.00019%); highest among the groups gnomAD compares: Non-Finnish European, 0.00017%; no homozygotes.

Submissions (4):

Labcorp Genetics (formerly Invitae), Labcorp
Classification: Likely benign for Arrhythmogenic right ventricular dysplasia 10. Last evaluated: 2026-01-28. Review status: criteria provided, single submitter. Criteria: Invitae Variant Classification Sherloc (09022015). Collection method: clinical testing. Allele origin: germline.

Color Diagnostics, LLC DBA Color Health
Classification: Likely benign for Cardiomyopathy. Last evaluated: 2025-09-11. Review status: criteria provided, single submitter. Criteria: ACMG Guidelines, 2015. Collection method: clinical testing. Allele origin: germline.

Ambry Genetics
Classification: Likely benign for Cardiovascular phenotype. Last evaluated: 2023-12-29. Review status: criteria provided, single submitter. Criteria: Ambry Variant Classification Scheme 2023. Collection method: clinical testing. Allele origin: germline.

Illumina Laboratory Services, Illumina
Classification: Uncertain significance for Arrhythmogenic right ventricular dysplasia 10. Last evaluated: 2017-04-27. Review status: criteria provided, single submitter. Criteria: ICSL Variant Classification Criteria 13 December 2019. Collection method: clinical testing. Allele origin: germline.
Comment: This variant was observed as part of a predisposition screen in an ostensibly healthy population. A literature search was performed for the gene, cDNA change, and amino acid change (where applicable). Publications were found based on this search. However, the evidence from the literature, in combination with allele frequency data from public databases where available, was not sufficient to rule this variant in or out of causing disease. Therefore, this variant is classified as a variant of unknown significance.

Literature cited by the submitters: PubMed 20400443 (cited by Illumina Laboratory Services, Illumina).